The following is an entry in ClinVar:

NM_198576.4(AGRN):c.956C>T (p.Pro319Leu)

Gene: AGRN (agrin; plus strand). Cytogenetic location: 1p36.33.
Variant type: single nucleotide variant.
Coding change: c.956C>T on transcript NM_198576.4 (MANE Select); coding-DNA position 956, C replaced by T.
Protein change: p.Pro319Leu; replaces proline 319 with leucine.
Molecular consequence: missense variant.
Genome position (GRCh38, 1-based): chr1:1,041,481, C>T. VCF-style: chr1-1041481-C-T. GRCh37 (hg19) VCF-style: chr1-976861-C-T.
Other names: c.956C>T, p.Pro319Leu (NM_001305275.2); c.641C>T, p.Pro214Leu (NM_001364727.2); short protein forms P214L, P319L.
Identifiers: ClinVar variation 644646 (VCV000644646.6), dbSNP rs1570194895, ClinGen allele CA337825490.
Genomic context (GRCh38, chr1:1,041,481, plus strand): 5'-GCTCGAGCTCTGTGGGCGCGCGGCGACAGCGTCCTGACTCCTGCCCTCGACCCCCAGACC[C>T]CTGTCAGGGCGCCCTCCCTGACCCGAGCCGCAGCTGCCGTGTGAACCCGCGCACGCGGCG-3'
Protein context (NP_940978.2, residues 309-329): VFKKFDGPCD[Pro319Leu]CQGALPDPSR

ClinVar aggregate classification (germline): Uncertain significance (1 of 4 stars; one submission).

Conditions:
Congenital myasthenic syndrome 8. Also called: MYASTHENIC SYNDROME, CONGENITAL, DUE TO AGRIN DEFICIENCY; Myasthenic syndrome, congenital, 8, with pre- and postsynaptic defects. Identifiers: Orphanet 590, MedGen C3808739, MONDO:0014052, OMIM 615120.

Submission:

Labcorp Genetics (formerly Invitae), Labcorp
Classification: Uncertain significance for Congenital myasthenic syndrome 8. Last evaluated: 2020-05-11. Review status: criteria provided, single submitter. Criteria: Invitae Variant Classification Sherloc (09022015). Collection method: clinical testing. Allele origin: germline.
Comment: In summary, the available evidence is currently insufficient to determine the role of this variant in disease. Therefore, it has been classified as a Variant of Uncertain Significance. Algorithms developed to predict the effect of missense changes on protein structure and function are either unavailable or do not agree on the potential impact of this missense change (SIFT: "Deleterious"; PolyPhen-2: "Possibly Damaging"; Align-GVGD: "Class C0"). This variant has not been reported in the literature in individuals with AGRN-related disease. This variant is not present in population databases (ExAC no frequency). This sequence change replaces proline with leucine at codon 319 of the AGRN protein (p.Pro319Leu). The proline residue is moderately conserved and there is a moderate physicochemical difference between proline and leucine.